The following is an entry in ClinVar:

ClinVar aggregate classification (germline): Pathogenic (1 of 4 stars; one submission).

Conditions:
Mucopolysaccharidosis, MPS-II (MPS2). Also called: Hunter Syndrome; IDURONATE 2-SULFATASE DEFICIENCY; Mucopolysaccharidosis Type II; Mucopolysaccharidosis type 2; Attenuated MPS (subtype; formerly known as mild MPS II); Severe MPS II. Identifiers: Orphanet 580, Orphanet 79388, MedGen C0026705, MONDO:0010674, OMIM 309900.

Submission:

Laboratory of Diagnosis and Therapy of Lysosomal Disorders, University of Padova
Classification: Pathogenic for Mucopolysaccharidosis, MPS-II. Last evaluated: 2024-06-07. Review status: criteria provided, single submitter. Criteria: ACMG Guidelines, 2015. Collection method: literature only. Allele origin: germline. Affected: yes. Observed: 1 variant allele.
Comment: Null variant (PVS1_VeryStrong), Absent from controls (or at low frequency) in gnomAD database (PM2_Moderate), Patient’s phenotype or family history highly specific for the disease (PP4_Moderate)

Classification method: ACMG Guidelines [PMID:25741868] with modifications

Literature cited by the submitters: PubMed 24125893.

NM_000202.8(IDS):c.715C>T (p.Gln239Ter)

Genes: IDS (iduronate 2-sulfatase; minus strand), LOC106050102 (IDS recombination region; plus strand). Cytogenetic location: Xq28.
Variant type: single nucleotide variant.
Coding change: c.715C>T on transcript NM_000202.8 (MANE Select); coding-DNA position 715, C replaced by T.
Protein change: p.Gln239Ter; replaces glutamine 239 with a stop codon.
Molecular consequence: nonsense. On other transcripts: non-coding transcript variant (1).
Genome position (GRCh38, 1-based): chrX:149,496,510, G>A on the plus strand (C>T on the coding strand, the complement: IDS is on the minus strand). VCF-style: chrX-149496510-G-A. GRCh37 (hg19) VCF-style: chrX-148578041-G-A.
Other names: c.445C>T, p.Gln149Ter (NM_001166550.4); c.715C>T, p.Gln239Ter (NM_006123.5); short protein forms Q149*, Q239*.
Identifiers: ClinVar variation 3255821 (VCV003255821.2).